The following is an entry in ClinVar:

ClinVar aggregate classification (germline): Likely pathogenic (3 of 4 stars; one submission).

Conditions:
Monogenic diabetes. Identifiers: Orphanet 183625, MedGen C3888631, MONDO:0015967.

Submission:

ClinGen Monogenic Diabetes Variant Curation Expert Panel
Classification: Likely pathogenic for Monogenic diabetes. Last evaluated: 2024-08-01. Review status: reviewed by expert panel. Criteria: ClinGen Diabetes ACMG Specifications HNF1A V2.1.0. Collection method: curation. Allele origin: germline. Inheritance: Autosomal dominant inheritance.
Comment: The c.1853_1854delTC variant in the HNF1 homeobox A gene, HNF1A, causes a frameshift in the protein at codon 618 (NM_000545.8), adding 30 novel amino acids before encountering a stop codon (p.(Ile618ArgfsTer30). While this variant, located in exon 10 of 10, is not predicted to result in nonsense mediated decay of the transcript, it will significantly disrupt the transactivation domain of the protein (PVS1_Strong). This variant is absent from gnomAD v2.1.1 (PM2_Supporting). This variant was identified in two individuals with autosomal dominant, young-onset diabetes. While both had a calculated MODY probability <50% and were not tested for HNF4A, both had hepatocellular adenomas, which are highly specific to HNF1A-MODY (PP4; PMID: 31166087, internal lab contributors). In summary, c.1853_1854delTC meets the criteria to be classified as likely pathogenic for monogenic diabetes. ACMG/AMP criteria applied, as specified by the ClinGen MDEP (specification version 1.1, approved 9/30/21): PVS1_Strong, PM2_Supporting, PP4.

NM_000545.8(HNF1A):c.1853_1854del (p.Ile618fs)

Genes: C12orf43 (chromosome 12 open reading frame 43; minus strand), HNF1A (HNF1 homeobox A; plus strand). Cytogenetic location: 12q24.31.
Variant type: Deletion.
Coding change: c.1853_1854del on transcript NM_000545.8 (MANE Select); coding-DNA positions 1853 to 1854, 2 bases deleted (TC; older notation c.1853_1854delTC).
Protein change: p.Ile618fs; shifts the reading frame from isoleucine 618.
Molecular consequence: frameshift variant. On other transcripts: 3 prime UTR variant (3).
Genome position (GRCh38, 1-based): chr12:121,001,149-121,001,150, TC deleted. VCF-style (leftmost placement, unchanged base first): chr12-121001148-ATC-A. GRCh37 (hg19) VCF-style: chr12-121438951-ATC-A.
Other names: NM_022895.3:c.*3003_*3004del; c.*3003_*3004del (NM_001286191.2, NM_001286196.2, NM_022895.3); c.1874_1875del, p.Ile625fs (NM_001306179.2); c.1661_1662del, p.Ile554fs (NM_001406915.1); short protein forms I554fs, I618fs, I625fs.
Identifiers: ClinVar variation 3338657 (VCV003338657.1).